The following is an entry in ClinVar:

NM_000102.4(CYP17A1):c.1218G>A (p.Trp406Ter)

Gene: CYP17A1 (cytochrome P450 family 17 subfamily A member 1; minus strand). Cytogenetic location: 10q24.32.
Variant type: single nucleotide variant.
Coding change: c.1218G>A on transcript NM_000102.4 (MANE Select); coding-DNA position 1218, G replaced by A.
Protein change: p.Trp406Ter; replaces tryptophan 406 with a stop codon.
Molecular consequence: nonsense.
Genome position (GRCh38, 1-based): chr10:102,831,533, C>T on the plus strand (G>A on the coding strand, the complement: CYP17A1 is on the minus strand). VCF-style: chr10-102831533-C-T. GRCh37 (hg19) VCF-style: chr10-104591290-C-T.
Other names: short protein forms W406*.
Identifiers: ClinVar variation 4540583 (VCV004540583.1).

ClinVar aggregate classification (germline): Likely pathogenic (1 of 4 stars; one submission).

Conditions:
Deficiency of steroid 17-alpha-monooxygenase. Also called: 17-ALPHA-HYDROXYLASE DEFICIENCY; ADRENAL HYPERPLASIA V; Congenital adrenal hyperplasia due to 17-alpha-hydroxylase deficiency; Congenital adrenal hyperplasia type 5; 17-alpha-hydroxylase/17,20-lyase deficiency. Identifiers: Orphanet 90793, MedGen C0268285, MONDO:0008730, OMIM 202110.

gnomAD v4.1: 1 of 1,613,884 alleles (0.000062%); highest among the groups gnomAD compares: Non-Finnish European, 0.000085%; no homozygotes.

Submission:

Center of Excellence of Human Genetics, National Research Center
Classification: Likely pathogenic for Deficiency of steroid 17-alpha-monooxygenase. Review status: criteria provided, single submitter. Criteria: ACMG Guidelines, 2015. Collection method: clinical testing. Allele origin: germline. Affected: yes. Observed: 1 homozygote.
Comment: The variant is a null variant in a gene where loss-of-function is a known mechanism of disease. Allele frequency is extremely low in all databases.

Literature cited by the submitters: PubMed 26920256.